The following is an entry in ClinVar:

NM_000257.4(MYH7):c.4767C>T (p.Asn1589=)

Genes: MHRT (myosin heavy chain associated RNA transcript; plus strand), MYH7 (myosin heavy chain 7; minus strand), LOC126861897 (BRD4-independent group 4 enhancer GRCh37_chr14:23884455-23885654; plus strand). Cytogenetic location: 14q11.2.
Variant type: single nucleotide variant.
Coding change: c.4767C>T on transcript NM_000257.4 (MANE Select); coding-DNA position 4767, C replaced by T.
Protein change: p.Asn1589=; no amino-acid change (asparagine 1589 retained).
Molecular consequence: synonymous variant. On other transcripts: non-coding transcript variant (1).
Genome position (GRCh38, 1-based): chr14:23,416,190, G>A on the plus strand (C>T on the coding strand, the complement: MYH7 is on the minus strand). VCF-style: chr14-23416190-G-A. GRCh37 (hg19) VCF-style: chr14-23885399-G-A.
Other names: c.4767C>T, p.Asn1589= (NM_001407004.1).
Identifiers: ClinVar variation 2877376 (VCV002877376.4), dbSNP rs2138642267, ClinGen allele CA485766563.

ClinVar aggregate classification (germline): Likely benign. Review status: criteria provided, multiple submitters, no conflicts (2 of 4 stars). 2 submissions from 2 submitters: Likely benign (2). Last evaluated 2023-08-03.

Conditions:
Cardiomyopathy (CMYO). Also called: Cardiomyopathies. Identifiers: Orphanet 167848, MedGen C0878544, MONDO:0004994, HP:0001638. Inheritance: Various modes of inheritance.
Hypertrophic cardiomyopathy. Also called: HYPERTROPHIC MYOCARDIOPATHY. Identifiers: Orphanet 217569, MedGen C0007194, MeSH D002312, MONDO:0005045, HP:0001639.

Submissions (2):

Labcorp Genetics (formerly Invitae), Labcorp
Classification: Likely benign for Hypertrophic cardiomyopathy. Last evaluated: 2023-08-03. Review status: criteria provided, single submitter. Criteria: Invitae Variant Classification Sherloc (09022015). Collection method: clinical testing. Allele origin: germline.

All of Us Research Program, National Institutes of Health
Classification: Likely benign for Cardiomyopathy. Last evaluated: 2023-03-23. Review status: criteria provided, single submitter. Criteria: ACMG Guidelines, 2015. Collection method: clinical testing. Allele origin: germline. Inheritance: Autosomal dominant inheritance. Observed: 1 variant allele, 1 heterozygote.
Comment: This study involves interpretation of variants in research participants for the purpose of population health screening. Participant phenotype was not available at the time of variant classification. Additional details can be found in publication PMID: 35346344, PMCID: PMC8962531